The following is an entry in ClinVar:

ClinVar aggregate classification (germline): Uncertain significance (1 of 4 stars; one submission).

Conditions:
Hereditary cancer-predisposing syndrome. Also called: Hereditary neoplastic syndrome; Neoplastic Syndromes, Hereditary; Tumor predisposition; Hereditary Cancer Syndrome. Identifiers: Orphanet 140162, MedGen C0027672, MeSH D009386, MONDO:0015356.

Submission:

Ambry Genetics
Classification: Uncertain significance for Hereditary cancer-predisposing syndrome. Last evaluated: 2021-05-13. Review status: criteria provided, single submitter. Criteria: Ambry Variant Classification Scheme 2023. Collection method: clinical testing. Allele origin: germline.
Comment: The p.L2147R variant (also known as c.6440T>G), located in coding exon 43 of the ATM gene, results from a T to G substitution at nucleotide position 6440. The leucine at codon 2147 is replaced by arginine, an amino acid with dissimilar properties. This amino acid position is highly conserved in available vertebrate species. In addition, this alteration is predicted to be deleterious by in silico analysis. Since supporting evidence is limited at this time, the clinical significance of this alteration remains unclear.

NM_000051.4(ATM):c.6440T>G (p.Leu2147Arg)

Genes: ATM (ATM serine/threonine kinase; plus strand), C11orf65 (chromosome 11 open reading frame 65; minus strand). Cytogenetic location: 11q22.3.
Variant type: single nucleotide variant.
Coding change: c.6440T>G on transcript NM_000051.4 (MANE Select); coding-DNA position 6440, T replaced by G.
Protein change: p.Leu2147Arg; replaces leucine 2147 with arginine.
Molecular consequence: missense variant. On other transcripts: intron variant (2).
Genome position (GRCh38, 1-based): chr11:108,320,046, T>G. VCF-style: chr11-108320046-T-G. GRCh37 (hg19) VCF-style: chr11-108190773-T-G.
Other names: c.6440T>G, p.Leu2147Arg (NM_001351834.2); c.641-10975A>C (NM_001330368.2); c.*39-10975A>C (NM_001351110.2); short protein forms L2147R.
Identifiers: ClinVar variation 1753556 (VCV001753556.2), dbSNP rs1591100592, ClinGen allele CA382553616.